The following is an entry in ClinVar:

NM_000153.4(GALC):c.1878_1894del (p.Lys627fs)

Gene: GALC (galactosylceramidase; minus strand). Cytogenetic location: 14q31.3.
Variant type: Deletion.
Coding change: c.1878_1894del on transcript NM_000153.4 (MANE Select); coding-DNA positions 1878 to 1894, 17 bases deleted (AAAAAAATGGTATACAC).
Protein change: p.Lys627fs; shifts the reading frame from lysine 627.
Molecular consequence: frameshift variant.
Genome position (GRCh38, 1-based): chr14:87,939,922-87,939,938, GTGTATACCATTTTTTT deleted on the plus strand (AAAAAAATGGTATACAC on the coding strand, the reverse complement: GALC is on the minus strand); deleting any 17 consecutive bases within chr14:87,939,922-87,939,939 gives the same sequence; the c. name uses the placement nearest the transcript's 3' end. VCF-style (leftmost placement, unchanged base first): chr14-87939921-AGTGTATACCATTTTTTT-A. GRCh37 (hg19) VCF-style: chr14-88406265-AGTGTATACCATTTTTTT-A.
Other names: p.Lys627HisfsTer5; c.1809_1825del, p.Lys604fs (NM_001201401.2); c.1800_1816del, p.Lys601fs (NM_001201402.2); short protein forms K601fs, K604fs, K627fs.
Identifiers: ClinVar variation 2498328 (VCV002498328.2), dbSNP rs2503334528, ClinGen allele CA2580088855.

ClinVar aggregate classification (germline): Pathogenic (1 of 4 stars; one submission).

Conditions:
Galactosylceramide beta-galactosidase deficiency. Also called: Leukodystrophy, Globoid Cell; GALACTOCEREBROSIDASE DEFICIENCY; GALC DEFICIENCY; GLOBOID CELL LEUKOENCEPHALOPATHY; Krabbe Disease. Identifiers: Orphanet 487, MedGen C0023521, MONDO:0009499, OMIM 245200.

Submission:

Foundation for Research in Genetics and Endocrinology, FRIGE's Institute of Human Genetics
Classification: Pathogenic for Galactosylceramide beta-galactosidase deficiency. Last evaluated: 2023-04-13. Review status: criteria provided, single submitter. Criteria: ACMG Guidelines, 2015. Collection method: clinical testing. Allele origin: germline. Inheritance: Autosomal recessive inheritance. Affected: yes. Observed: 1 homozygote.
Comment: A Homozygous deletion in exon 16 of the GALC gene that results in a frameshift and premature truncation of the protein 5 amino acids downstream to codon 627 was detected. The observed variant c.1878_1894del (p.Lys627HisfsTer5) has not been reported in the 1000 genomes and gnomAD databases. The in silico prediction of the variant is damaging by MutationTaster2. The reference codon is conserved across species. In summary, the variant meets our criteria to be classified as pathogenic.